The following is an entry in ClinVar:

ClinVar aggregate classification (germline): Uncertain significance. Review status: criteria provided, multiple submitters, no conflicts (2 of 4 stars). 3 submissions from 3 submitters: Uncertain significance (3). Last evaluated 2024-08-27.

Conditions:
Primary ciliary dyskinesia. Also called: Ciliary dyskinesia. Identifiers: Orphanet 244, MedGen C0008780, MONDO:0016575, HP:0012265.
Spermatogenic failure 46. Identifiers: MedGen C5436799, MONDO:0033673, OMIM 619095.

Allele frequency attached by ClinVar (database versions not stated): gnomAD exomes below 0.00001.
gnomAD v4.1: 2 of 1,613,422 alleles (0.00012%); highest among the groups gnomAD compares: Non-Finnish European, 0.00017%; no homozygotes.

Submissions (3):

Labcorp Genetics (formerly Invitae), Labcorp
Classification: Uncertain significance for Primary ciliary dyskinesia. Last evaluated: 2024-08-27. Review status: criteria provided, single submitter. Criteria: Invitae Variant Classification Sherloc (09022015). Collection method: clinical testing. Allele origin: germline.
Comment: This sequence change replaces lysine, which is basic and polar, with glutamic acid, which is acidic and polar, at codon 1201 of the DNAH8 protein (p.Lys1201Glu). This variant is not present in population databases (gnomAD no frequency). This variant has not been reported in the literature in individuals affected with DNAH8-related conditions. ClinVar contains an entry for this variant (Variation ID: 996095). Experimental studies and prediction algorithms are not available or were not evaluated, and the functional significance of this variant is currently unknown. In summary, the available evidence is currently insufficient to determine the role of this variant in disease. Therefore, it has been classified as a Variant of Uncertain Significance.

Ambry Genetics
Classification: Uncertain significance. Last evaluated: 2023-05-05. Review status: criteria provided, single submitter. Criteria: Ambry Variant Classification Scheme 2023. Collection method: clinical testing. Allele origin: germline.

Johns Hopkins Genomics, Johns Hopkins University
Classification: Uncertain significance for Spermatogenic failure 46. Last evaluated: 2021-01-19. Review status: criteria provided, single submitter. Criteria: ACMG Guidelines, 2015. Collection method: clinical testing. Allele origin: germline.
Comment: This DNAH8 variant is absent from a large population dataset and has not been reported in ClinVar nor the literature, to our knowledge. One bioinformatic tool queried predicts that this substitution would be damaging, and the lysine residue at this position is highly evolutionarily conserved across all species assessed. We consider the clinical significance of c.3565A>G to be uncertain at this time.

NM_001206927.2(DNAH8):c.3601A>G (p.Lys1201Glu)

Gene: DNAH8 (dynein axonemal heavy chain 8; plus strand). Cytogenetic location: 6p21.2.
Variant type: single nucleotide variant.
Coding change: c.3601A>G on transcript NM_001206927.2 (MANE Select); coding-DNA position 3601, A replaced by G.
Protein change: p.Lys1201Glu; replaces lysine 1201 with glutamic acid.
Molecular consequence: missense variant.
Genome position (GRCh38, 1-based): chr6:38,822,915, A>G. VCF-style: chr6-38822915-A-G. GRCh37 (hg19) VCF-style: chr6-38790691-A-G.
Other names: c.2950A>G, p.Lys984Glu (NM_001371.4); short protein forms K1201E, K984E.
Identifiers: ClinVar variation 996095 (VCV000996095.5), dbSNP rs1772998152, ClinGen allele CA363992109.